The following is an entry in ClinVar:

ClinVar aggregate classification (germline): Likely benign. Review status: criteria provided, multiple submitters, no conflicts (2 of 4 stars). 4 submissions from 4 submitters: Likely benign (3). 1 of the submissions does not count toward it. Last evaluated 2026-01-23.

Conditions:
CD151-related disorder. Also called: CD151-related condition.

Allele frequency attached by ClinVar (database versions not stated): 1000 Genomes Project 30x 0.00016; 1000 Genomes Project 0.00020; ExAC 0.00033; ESP Exome Variant Server 0.00038; gnomAD 0.00043 and 0.00045; TOPMed 0.00052.
gnomAD v4.1: 1,002 of 1,612,972 alleles (0.062%); highest among the groups gnomAD compares: Non-Finnish European, 0.078%; 1 homozygote.

Submissions (4):

Labcorp Genetics (formerly Invitae), Labcorp
Classification: Likely benign. Last evaluated: 2026-01-23. Review status: criteria provided, single submitter. Criteria: Invitae Variant Classification Sherloc (09022015). Collection method: clinical testing. Allele origin: germline.

CeGaT Center for Human Genetics Tuebingen
Classification: Likely benign. Last evaluated: 2025-11-01. Review status: criteria provided, single submitter. Criteria: CeGaT Center For Human Genetics Tuebingen Variant Classification Criteria Version 2. Collection method: clinical testing. Allele origin: germline. Affected: yes. Observed: 1 variant allele.
Comment: CD151: BP4, BP7

Blueprint Genetics
Classification: Likely benign. Last evaluated: 2024-10-04. Review status: criteria provided, single submitter. Criteria: ACMG Guidelines, 2015. Collection method: clinical testing. Allele origin: germline.

PreventionGenetics, part of Exact Sciences
Classification: Likely benign for CD151-related condition. Last evaluated: 2024-04-03. Review status: no assertion criteria provided. Collection method: clinical testing. Allele origin: germline. Not counted in ClinVar's aggregate classification.
Comment: This variant is classified as likely benign based on ACMG/AMP sequence variant interpretation guidelines (Richards et al. 2015 PMID: 25741868, with internal and published modifications).

NM_004357.5(CD151):c.480C>T (p.Asn160=)

Gene: CD151 (CD151 molecule (Raph blood group); plus strand). Cytogenetic location: 11p15.5.
Variant type: single nucleotide variant.
Coding change: c.480C>T on transcript NM_004357.5 (MANE Select); coding-DNA position 480, C replaced by T.
Protein change: p.Asn160=; no amino-acid change (asparagine 160 retained).
Molecular consequence: synonymous variant.
Genome position (GRCh38, 1-based): chr11:837,483, C>T. VCF-style: chr11-837483-C-T. GRCh37 (hg19) VCF-style: chr11-837483-C-T.
Other names: c.480C>T, p.Asn160= (NM_001039490.2, NM_139029.2, NM_139030.4).
Identifiers: ClinVar variation 721379 (VCV000721379.17), dbSNP rs117252522, ClinGen allele CA5792240.